The following is an entry in ClinVar:

NM_006514.4(SCN10A):c.1666C>T (p.Gln556Ter)

Gene: SCN10A (sodium voltage-gated channel alpha subunit 10; minus strand). Cytogenetic location: 3p22.2.
Variant type: single nucleotide variant.
Coding change: c.1666C>T on transcript NM_006514.4 (MANE Select); coding-DNA position 1666, C replaced by T.
Protein change: p.Gln556Ter; replaces glutamine 556 with a stop codon.
Molecular consequence: nonsense. On other transcripts: intron variant (1).
Genome position (GRCh38, 1-based): chr3:38,752,308, G>A on the plus strand (C>T on the coding strand, the complement: SCN10A is on the minus strand). VCF-style: chr3-38752308-G-A. GRCh37 (hg19) VCF-style: chr3-38793799-G-A.
Other names: c.1666C>T, p.Gln556Ter (NM_001293306.2); c.1462-2124C>T (NM_001293307.2); short protein forms Q556*.
Identifiers: ClinVar variation 1777574 (VCV001777574.5), dbSNP rs2470776518, ClinGen allele CA352167258.

ClinVar aggregate classification (germline): Uncertain significance. Review status: criteria provided, multiple submitters, no conflicts (2 of 4 stars). 2 submissions from 2 submitters: Uncertain significance (2). Last evaluated 2023-11-24.

Conditions:
Brugada syndrome. Also called: Sudden unexplained nocturnal death syndrome; Sudden unexpected nocturnal death syndrome; Sudden Unexplained Death Syndrome; Sudden Unexplained Nocturnal Death Syndrome (SUNDS). Identifiers: Orphanet 130, MedGen C1142166, MONDO:0015263.
Cardiovascular phenotype. Identifiers: MedGen CN230736.

Allele frequency attached by ClinVar (database versions not stated): gnomAD exomes below 0.00001.
gnomAD v4.1: 6 of 1,610,634 alleles (0.00037%); highest among the groups gnomAD compares: Non-Finnish European, 0.00051%; no homozygotes.

Submissions (2):

Labcorp Genetics (formerly Invitae), Labcorp
Classification: Uncertain significance for Brugada syndrome. Last evaluated: 2023-11-24. Review status: criteria provided, single submitter. Criteria: Invitae Variant Classification Sherloc (09022015). Collection method: clinical testing. Allele origin: germline.
Comment: This sequence change creates a premature translational stop signal (p.Gln556*) in the SCN10A gene. It is expected to result in an absent or disrupted protein product. However, the current clinical and genetic evidence is not sufficient to establish whether loss-of-function variants in SCN10A cause disease. This variant is not present in population databases (gnomAD no frequency). This variant has not been reported in the literature in individuals affected with SCN10A-related conditions. ClinVar contains an entry for this variant (Variation ID: 1777574). Algorithms developed to predict the effect of sequence changes on RNA splicing suggest that this variant may create or strengthen a splice site. In summary, the available evidence is currently insufficient to determine the role of this variant in disease. Therefore, it has been classified as a Variant of Uncertain Significance.

Ambry Genetics
Classification: Uncertain significance for Cardiovascular phenotype. Last evaluated: 2022-10-11. Review status: criteria provided, single submitter. Criteria: Ambry Variant Classification Scheme 2023. Collection method: clinical testing. Allele origin: germline.
Comment: The p.Q556* variant (also known as c.1666C>T), located in coding exon 11 of the SCN10A gene, results from a C to T substitution at nucleotide position 1666. This changes the amino acid from a glutamine to a stop codon within coding exon 11. This alteration is expected to result in loss of function by premature protein truncation or nonsense-mediated mRNA decay. However, the evidence for this gene-disease relationship is limited; therefore, the clinical significance of this alteration is unclear.